The following is an entry in ClinVar:

ClinVar aggregate classification (germline): Uncertain significance (1 of 4 stars; one submission).

Submission:

Labcorp Genetics (formerly Invitae), Labcorp
Classification: Uncertain significance. Last evaluated: 2021-12-13. Review status: criteria provided, single submitter. Criteria: Invitae Variant Classification Sherloc (09022015). Collection method: clinical testing. Allele origin: germline.
Comment: This sequence change replaces proline, which is neutral and non-polar, with serine, which is neutral and polar, at codon 1688 of the MYO7A protein (p.Pro1688Ser). This variant is not present in population databases (gnomAD no frequency). This variant has not been reported in the literature in individuals affected with MYO7A-related conditions. Advanced modeling of protein sequence and biophysical properties (such as structural, functional, and spatial information, amino acid conservation, physicochemical variation, residue mobility, and thermodynamic stability) performed at Invitae indicates that this missense variant is not expected to disrupt MYO7A protein function. In summary, the available evidence is currently insufficient to determine the role of this variant in disease. Therefore, it has been classified as a Variant of Uncertain Significance.

NM_000260.4(MYO7A):c.5062C>T (p.Pro1688Ser)

Gene: MYO7A (myosin VIIA; plus strand). Cytogenetic location: 11q13.5.
Variant type: single nucleotide variant.
Coding change: c.5062C>T on transcript NM_000260.4 (MANE Select); coding-DNA position 5062, C replaced by T.
Protein change: p.Pro1688Ser; replaces proline 1688 with serine.
Molecular consequence: missense variant.
Genome position (GRCh38, 1-based): chr11:77,202,318, C>T. VCF-style: chr11-77202318-C-T. GRCh37 (hg19) VCF-style: chr11-76913363-C-T.
Other names: c.4948C>T, p.Pro1650Ser (NM_001127180.2); c.4915C>T, p.Pro1639Ser (NM_001369365.1); short protein forms P1650S, P1688S, P1639S.
Identifiers: ClinVar variation 1407370 (VCV001407370.6), dbSNP rs1355345202, ClinGen allele CA381951544.